The following is an entry in ClinVar:

NM_000092.5(COL4A4):c.928C>T (p.Arg310Trp)

Gene: COL4A4 (collagen type IV alpha 4 chain; minus strand). Cytogenetic location: 2q36.3.
Variant type: single nucleotide variant.
Coding change: c.928C>T on transcript NM_000092.5 (MANE Select); coding-DNA position 928, C replaced by T.
Protein change: p.Arg310Trp; replaces arginine 310 with tryptophan.
Molecular consequence: missense variant.
Genome position (GRCh38, 1-based): chr2:227,102,791, G>A on the plus strand (C>T on the coding strand, the complement: COL4A4 is on the minus strand). VCF-style: chr2-227102791-G-A. GRCh37 (hg19) VCF-style: chr2-227967507-G-A.
Other names: short protein forms R310W.
Identifiers: ClinVar variation 334734 (VCV000334734.15), dbSNP rs200817090, ClinGen allele CA2145365.

ClinVar aggregate classification (germline): Conflicting classifications of pathogenicity. Review status: criteria provided, conflicting classifications (1 of 4 stars). 6 submissions from 6 submitters: Uncertain significance (4); Likely benign (1). 1 of the submissions does not count toward it. Last evaluated 2024-11-29.

Conditions:
Alport syndrome. Also called: Hemorrhagic familial nephritis; Hemorrhagic hereditary nephritis; Congenital hereditary hematuria. Identifiers: Orphanet 63, MedGen C1567741, MONDO:0018965.
Hematuria, benign familial, 1 (BFH1). Also called: THIN MEMBRANE NEPHROPATHY. Identifiers: MedGen CN376803, MONDO:0007709, OMIM 141200.
Autosomal recessive Alport syndrome (ATS2). Also called: Alport syndrome type 2; COL4A4 Alport Syndrome and Thin Basement Membrane Nephropathy; ALPORT SYNDROME 2, AUTOSOMAL RECESSIVE; COL4A3-Related Nephropathy. Identifiers: Orphanet 63, Orphanet 88919, MedGen C4746745, MONDO:0008762, OMIM 203780.

Allele frequency attached by ClinVar (database versions not stated): gnomAD 0.00005 and 0.00006; TOPMed 0.00006; ExAC 0.00007; gnomAD exomes 0.00008; 1000 Genomes Project 30x 0.00016; ESP Exome Variant Server 0.00017; 1000 Genomes Project 0.00020.
gnomAD v4.1: 80 of 1,612,820 alleles (0.005%); highest among the groups gnomAD compares: South Asian, 0.014%; no homozygotes.

Submissions (6):

Labcorp Genetics (formerly Invitae), Labcorp
Classification: Uncertain significance. Last evaluated: 2024-11-29. Review status: criteria provided, single submitter. Criteria: Invitae Variant Classification Sherloc (09022015). Collection method: clinical testing. Allele origin: germline.
Comment: This sequence change replaces arginine, which is basic and polar, with tryptophan, which is neutral and slightly polar, at codon 310 of the COL4A4 protein (p.Arg310Trp). This variant is present in population databases (rs200817090, gnomAD 0.03%). This variant has not been reported in the literature in individuals affected with COL4A4-related conditions. ClinVar contains an entry for this variant (Variation ID: 334734). An algorithm developed to predict the effect of missense changes on protein structure and function outputs the following: PolyPhen-2: "Probably Damaging". The tryptophan amino acid residue is found in multiple mammalian species, which suggests that this missense change does not adversely affect protein function. In summary, the available evidence is currently insufficient to determine the role of this variant in disease. Therefore, it has been classified as a Variant of Uncertain Significance.

Fulgent Genetics
Classification: Uncertain significance for Hematuria, benign familial, 1; Autosomal recessive Alport syndrome. Last evaluated: 2024-04-22. Review status: criteria provided, single submitter. Criteria: ACMG Guidelines, 2015. Collection method: clinical testing. Allele origin: germline.

Blueprint Genetics
Classification: Uncertain significance. Last evaluated: 2023-11-23. Review status: criteria provided, single submitter. Criteria: ACMG Guidelines, 2015. Collection method: clinical testing. Allele origin: germline.

Laboratory for Molecular Medicine, Mass General Brigham Personalized Medicine
Classification: Likely benign. Last evaluated: 2019-06-25. Review status: criteria provided, single submitter. Criteria: LMM Criteria. Collection method: clinical testing. Allele origin: germline. Observed: 1 variant allele.
Comment: The p.Arg310Trp variant in COL4A4 is classified as likely benign due to a lack of conservation across species. Four mammals (Rhesus, crab-eating macaque, Baboon, green monkey) carry a tryptophan (Trp) at this position despite high nearby amino acid conservation. This variant is located in the last three bases of the exon, which is part of the 5' splice region. Computational tools do not predict a splicing impact, and the three mammals listed above harbor the same nucleotide change at this position, suggesting it is unlikely to impact splicing. It has been identified in 0.02% (9/30600) of South Asian chromosomes by gnomAD. ACMG/AMP Criteria applied: BP4_Strong.

Illumina Laboratory Services, Illumina
Classification: Uncertain significance for Alport syndrome. Last evaluated: 2018-01-12. Review status: criteria provided, single submitter. Criteria: ICSL Variant Classification Criteria 13 December 2019. Collection method: clinical testing. Allele origin: germline.

Genetic Services Laboratory, University of Chicago
Classification: Uncertain significance. Last evaluated: 2022-06-14. Review status: no assertion criteria provided. Collection method: clinical testing. Allele origin: germline. Affected: no. Not counted in ClinVar's aggregate classification.
Comment: DNA sequence analysis of the COL4A4 gene demonstrated a sequence change, c.928C>T, in exon 15 that results in an amino acid change, p.Arg310Trp. This sequence change has been described in the gnomAD database with a frequency of 0.03% in the South Asian subpopulation (dbSNP rs200817090). The p.Arg310Trp change affects a moderately conserved amino acid residue located in a domain of the COL4A4 protein that is known to be functional. In-silico pathogenicity prediction tools (SIFT, PolyPhen2, Align GVGD, REVEL) provide contradictory results for the p.Arg310Trp substitution. This sequence change does not appear to have been previously described in individuals with COL4A4-related disorders. Due to insufficient evidences and the lack of functional studies, the clinical significance of the p.Arg310Trp change remains unknown at this time.